The following is an entry in ClinVar:

ClinVar aggregate classification (germline): Likely benign (1 of 4 stars; one submission).

Conditions:
PDXK-related disorder. Also called: PDXK-related condition.

gnomAD v4.1: 16 of 1,612,640 alleles (0.00099%); highest among the groups gnomAD compares: Non-Finnish European, 0.0013%; no homozygotes.

Submission:

PreventionGenetics, part of Exact Sciences
Classification: Likely benign for PDXK-related condition. Last evaluated: 2025-01-06. Review status: criteria provided, single submitter. Criteria: ACMG Guidelines, 2015. Collection method: clinical testing. Allele origin: germline.
Comment: This variant is classified as likely benign based on ACMG/AMP sequence variant interpretation guidelines (Richards et al. 2015 PMID: 25741868, with internal and published modifications).

NM_003681.5(PDXK):c.760-4G>T

Gene: PDXK (pyridoxal kinase; plus strand). Cytogenetic location: 21q22.3.
Variant type: single nucleotide variant.
Coding change: c.760-4G>T on transcript NM_003681.5 (MANE Select); 4 bases into the intron before coding-DNA position 760, G replaced by T.
Molecular consequence: intron variant.
Genome position (GRCh38, 1-based): chr21:43,755,694, G>T. VCF-style: chr21-43755694-G-T. GRCh37 (hg19) VCF-style: chr21-45175575-G-T.
Other names: c.640-4G>T (NM_001331030.2).
Identifiers: ClinVar variation 4977259 (VCV004977259.1).